The following is an entry in ClinVar:

ClinVar aggregate classification (germline): Conflicting classifications of pathogenicity. Review status: criteria provided, conflicting classifications (1 of 4 stars). 2 submissions from 2 submitters: Likely pathogenic (1); Uncertain significance (1). Last evaluated 2022-08-21.

Conditions:
AGBL5-related disorder. Also called: AGBL5-related condition.

Allele frequency attached by ClinVar (database versions not stated): TOPMed below 0.00001; ExAC 0.00001; gnomAD 0.00001; gnomAD exomes 0.00001.
gnomAD v4.1: 5 of 1,613,730 alleles (0.00031%); highest among the groups gnomAD compares: Non-Finnish European, 0.00034%; no homozygotes.

Submissions (2):

Labcorp Genetics (formerly Invitae), Labcorp
Classification: Uncertain significance. Last evaluated: 2022-08-21. Review status: criteria provided, single submitter. Criteria: Invitae Variant Classification Sherloc (09022015). Collection method: clinical testing. Allele origin: germline.
Comment: In summary, the available evidence is currently insufficient to determine the role of this variant in disease. Therefore, it has been classified as a Variant of Uncertain Significance. Variants that disrupt the consensus splice site are a relatively common cause of aberrant splicing (PMID: 17576681, 9536098). Algorithms developed to predict the effect of sequence changes on RNA splicing suggest that this variant may disrupt the consensus splice site. This variant has not been reported in the literature in individuals affected with AGBL5-related conditions. This variant is present in population databases (rs748232030, gnomAD 0.004%). This sequence change affects an acceptor splice site in intron 12 of the AGBL5 gene. However, it is currently unclear if variants that occur in this region of the gene cause disease.

Blueprint Genetics
Classification: Likely pathogenic for AGBL5-related disorders. Last evaluated: 2019-10-09. Review status: criteria provided, single submitter. Criteria: ACMG Guidelines, 2015. Collection method: clinical testing. Allele origin: germline. Affected: yes. Observed: 1 variant allele.

Literature cited by the submitters: PubMed 17576681 (cited by Labcorp Genetics (formerly Invitae), Labcorp); PubMed 9536098 (cited by Labcorp Genetics (formerly Invitae), Labcorp).

NM_021831.6(AGBL5):c.2243-1G>A

Gene: AGBL5 (AGBL carboxypeptidase 5; plus strand). Cytogenetic location: 2p23.3.
Variant type: single nucleotide variant.
Coding change: c.2243-1G>A on transcript NM_021831.6 (MANE Select); the canonical splice acceptor site of the intron before coding-DNA position 2243, G replaced by A.
Molecular consequence: splice acceptor variant.
Genome position (GRCh38, 1-based): chr2:27,068,631, G>A. VCF-style: chr2-27068631-G-A. GRCh37 (hg19) VCF-style: chr2-27291499-G-A.
Identifiers: ClinVar variation 1955694 (VCV001955694.6), dbSNP rs748232030, ClinGen allele CA1568175.